The following is an entry in ClinVar:

ClinVar aggregate classification (germline): Uncertain significance. Review status: criteria provided, multiple submitters, no conflicts (2 of 4 stars). 2 submissions from 2 submitters: Uncertain significance (2). Last evaluated 2025-10-26.

Allele frequency attached by ClinVar (database versions not stated): gnomAD 0.00005; TOPMed 0.00005; ESP Exome Variant Server 0.00015; ExAC 0.00006; gnomAD exomes 0.00005.
gnomAD v4.1: 90 of 1,613,860 alleles (0.0056%); highest among the groups gnomAD compares: Middle Eastern, 0.016%; no homozygotes.

Submissions (2):

Labcorp Genetics (formerly Invitae), Labcorp
Classification: Uncertain significance. Last evaluated: 2025-10-26. Review status: criteria provided, single submitter. Criteria: Invitae Variant Classification Sherloc (09022015). Collection method: clinical testing. Allele origin: germline.
Comment: This sequence change replaces threonine, which is neutral and polar, with methionine, which is neutral and non-polar, at codon 223 of the P2RY12 protein (p.Thr223Met). This variant is present in population databases (rs148966366, gnomAD 0.009%). This variant has not been reported in the literature in individuals affected with P2RY12-related conditions. ClinVar contains an entry for this variant (Variation ID: 2473023). An algorithm developed to predict the effect of missense changes on protein structure and function (PolyPhen-2) suggests that this variant is likely to be disruptive. In summary, the available evidence is currently insufficient to determine the role of this variant in disease. Therefore, it has been classified as a Variant of Uncertain Significance.

Ambry Genetics
Classification: Uncertain significance. Last evaluated: 2025-05-29. Review status: criteria provided, single submitter. Criteria: Ambry Variant Classification Scheme 2023. Collection method: clinical testing. Allele origin: germline.

NM_022788.5(P2RY12):c.668C>T (p.Thr223Met)

Genes: MED12L (mediator complex subunit 12L; plus strand), P2RY12 (purinergic receptor P2Y12; minus strand). Cytogenetic location: 3q25.1.
Variant type: single nucleotide variant.
Coding change: c.668C>T on transcript NM_022788.5 (MANE Select); coding-DNA position 668, C replaced by T.
Protein change: p.Thr223Met; replaces threonine 223 with methionine.
Molecular consequence: missense variant. On other transcripts: intron variant (2).
Genome position (GRCh38, 1-based): chr3:151,338,178, G>A on the plus strand (C>T on the coding strand, the complement: P2RY12 is on the minus strand). VCF-style: chr3-151338178-G-A. GRCh37 (hg19) VCF-style: chr3-151055966-G-A.
Other names: c.668C>T, p.Thr223Met (NM_176876.3); c.2251-11881G>A (NM_001393769.1); c.2146-11881G>A (NM_053002.6); short protein forms T223M.
Identifiers: ClinVar variation 2473023 (VCV002473023.6), dbSNP rs148966366, ClinGen allele CA2667822.